The following is an entry in ClinVar:

NM_001288705.3(CSF1R):c.1200C>G (p.Tyr400Ter)

Gene: CSF1R (colony stimulating factor 1 receptor; minus strand). Cytogenetic location: 5q32.
Variant type: single nucleotide variant.
Coding change: c.1200C>G on transcript NM_001288705.3 (MANE Select); coding-DNA position 1200, C replaced by G.
Protein change: p.Tyr400Ter; replaces tyrosine 400 with a stop codon.
Molecular consequence: nonsense. On other transcripts: non-coding transcript variant (2).
Genome position (GRCh38, 1-based): chr5:150,070,301, G>C on the plus strand (C>G on the coding strand, the complement: CSF1R is on the minus strand). VCF-style: chr5-150070301-G-C. GRCh37 (hg19) VCF-style: chr5-149449864-G-C.
Other names: c.1200C>G, p.Tyr400Ter (NM_001349736.2, NM_001375320.1, NM_005211.4); c.756C>G, p.Tyr252Ter (NM_001375321.1); short protein forms Y252*, Y400*.
Identifiers: ClinVar variation 4998515 (VCV004998515.1).

ClinVar aggregate classification (germline): Likely pathogenic (1 of 4 stars; one submission).

Conditions:
CSF1R-related disorder. Also called: CSF1R-related condition. Identifiers: MedGen CN379780, MONDO:0100632.

Submission:

PreventionGenetics, part of Exact Sciences
Classification: Likely pathogenic for CSF1R-related condition. Last evaluated: 2026-02-26. Review status: criteria provided, single submitter. Criteria: ACMG Guidelines, 2015. Collection method: clinical testing. Allele origin: germline.
Comment: The CSF1R c.1200C>G variant is predicted to result in premature protein termination (p.Tyr400*). To our knowledge, this variant has not been reported in the literature or in a large population database (gnomAD), indicating this variant is rare. Nonsense variants in CSF1R are expected to be pathogenic. This variant is interpreted as likely pathogenic.